The following is an entry in ClinVar:

NM_001267550.2(TTN):c.107762C>A (p.Thr35921Lys)

Genes: TTN-AS1 (TTN antisense RNA 1; plus strand), TTN (titin; minus strand). Cytogenetic location: 2q31.2.
Variant type: single nucleotide variant.
Coding change: c.107762C>A on transcript NM_001267550.2 (MANE Select); coding-DNA position 107762, C replaced by A.
Protein change: p.Thr35921Lys; replaces threonine 35921 with lysine.
Molecular consequence: missense variant.
Genome position (GRCh38, 1-based): chr2:178,527,226, G>T on the plus strand (C>A on the coding strand, the complement: TTN is on the minus strand). VCF-style: chr2-178527226-G-T. GRCh37 (hg19) VCF-style: chr2-179391953-G-T.
Other names: c.102839C>A, p.Thr34280Lys (NM_001256850.1); c.80567C>A, p.Thr26856Lys (NM_003319.4); c.100058C>A, p.Thr33353Lys (NM_133378.4); c.80942C>A, p.Thr26981Lys (NM_133432.3); c.81143C>A, p.Thr27048Lys (NM_133437.4); short protein forms T26856K, T26981K, T27048K, T33353K, T34280K, T35921K.
Identifiers: ClinVar variation 1001809 (VCV001001809.9), dbSNP rs749277200, ClinGen allele CA349399278.

ClinVar aggregate classification (germline): Uncertain significance (1 of 4 stars; one submission).

Conditions:
Dilated cardiomyopathy 1G (CMD1G). Identifiers: Orphanet 154, MedGen C1858763, MONDO:0011400, OMIM 604145.
Autosomal recessive limb-girdle muscular dystrophy type 2J (LGMDR10). Also called: Limb-girdle muscular dystrophy, type 2J; MUSCULAR DYSTROPHY, LIMB-GIRDLE, AUTOSOMAL RECESSIVE 10. Identifiers: Orphanet 140922, MedGen C1837342, MONDO:0012127, OMIM 608807.

gnomAD v4.1: 1 of 1,613,780 alleles (0.000062%); highest among the groups gnomAD compares: Non-Finnish European, 0.000085%; no homozygotes.

Submission:

Labcorp Genetics (formerly Invitae), Labcorp
Classification: Uncertain significance for Dilated cardiomyopathy 1G; Autosomal recessive limb-girdle muscular dystrophy type 2J. Last evaluated: 2022-03-23. Review status: criteria provided, single submitter. Criteria: Invitae Variant Classification Sherloc (09022015). Collection method: clinical testing. Allele origin: germline.
Comment: This sequence change replaces threonine, which is neutral and polar, with lysine, which is basic and polar, at codon 35921 of the TTN protein (p.Thr35921Lys). This variant is not present in population databases (gnomAD no frequency). This variant has not been reported in the literature in individuals affected with TTN-related conditions. ClinVar contains an entry for this variant (Variation ID: 1001809). Experimental studies and prediction algorithms are not available or were not evaluated, and the functional significance of this variant is currently unknown. Algorithms developed to predict the effect of sequence changes on RNA splicing suggest that this variant may create or strengthen a splice site. This variant is located in the M band of TTN (PMID: 25589632). Variants in this region may be relevant for neuromuscular disorders, but have not been definitively shown to cause cardiomyopathy (PMID: 23975875). In summary, the available evidence is currently insufficient to determine the role of this variant in disease. Therefore, it has been classified as a Variant of Uncertain Significance.

Literature cited by the submitters: PubMed 25589632; PubMed 23975875.